The following is an entry in ClinVar:

NM_000264.5(PTCH1):c.1927C>A (p.Pro643Thr)

Genes: PTCH1 (patched 1; minus strand), LOC100507346 (uncharacterized LOC100507346; plus strand). Cytogenetic location: 9q22.32.
Variant type: single nucleotide variant.
Coding change: c.1927C>A on transcript NM_000264.5 (MANE Select); coding-DNA position 1927, C replaced by A.
Protein change: p.Pro643Thr; replaces proline 643 with threonine.
Molecular consequence: missense variant. On other transcripts: non-coding transcript variant (2).
Genome position (GRCh38, 1-based): chr9:95,469,074, G>T on the plus strand (C>A on the coding strand, the complement: PTCH1 is on the minus strand). VCF-style: chr9-95469074-G-T. GRCh37 (hg19) VCF-style: chr9-98231356-G-T.
Other names: c.1729C>A, p.Pro577Thr (NM_001083602.3); c.1924C>A, p.Pro642Thr (NM_001083603.3); c.1474C>A, p.Pro492Thr (NM_001083604.3, NM_001083605.3, NM_001083606.3 and 1 more transcripts); c.1771C>A, p.Pro591Thr (NM_001354918.2); short protein forms P643T, P577T, P492T, P591T, P642T.
Identifiers: ClinVar variation 3311157 (VCV003311157.1).

ClinVar aggregate classification (germline): Uncertain significance (1 of 4 stars; one submission).

Conditions:
Hereditary cancer-predisposing syndrome. Also called: Neoplastic Syndromes, Hereditary; Tumor predisposition; Hereditary neoplastic syndrome; Hereditary Cancer Syndrome. Identifiers: Orphanet 140162, MedGen C0027672, MeSH D009386, MONDO:0015356.

Submission:

Ambry Genetics
Classification: Uncertain significance for Hereditary cancer-predisposing syndrome. Last evaluated: 2024-04-10. Review status: criteria provided, single submitter. Criteria: Ambry Variant Classification Scheme 2023. Collection method: clinical testing. Allele origin: germline.
Comment: The p.P643T variant (also known as c.1927C>A), located in coding exon 14 of the PTCH1 gene, results from a C to A substitution at nucleotide position 1927. The proline at codon 643 is replaced by threonine, an amino acid with highly similar properties. This amino acid position is conserved. In addition, the in silico prediction for this alteration is inconclusive. Based on the available evidence, the clinical significance of this variant remains unclear.